The following is an entry in ClinVar:

ClinVar aggregate classification (germline): Conflicting classifications of pathogenicity. Review status: criteria provided, conflicting classifications (1 of 4 stars). 2 submissions from 2 submitters: Uncertain significance (1); Likely benign (1). Last evaluated 2025-03-17.

Conditions:
Cardiovascular phenotype. Identifiers: MedGen CN230736.
Duchenne muscular dystrophy (DMD). Also called: MUSCULAR DYSTROPHY, PSEUDOHYPERTROPHIC PROGRESSIVE, DUCHENNE TYPE; Duchenne Muscular Dystrophy (DMD). Identifiers: Orphanet 98896, MedGen C0013264, MONDO:0010679, OMIM 310200.

Allele frequency attached by ClinVar (database versions not stated): gnomAD exomes below 0.00001; ExAC 0.00001.
gnomAD v4.1: 4 of 1,208,911 alleles (0.00033%); highest among the groups gnomAD compares: East Asian, 0.003%; no homozygotes.

Submissions (2):

Labcorp Genetics (formerly Invitae), Labcorp
Classification: Likely benign for Duchenne muscular dystrophy. Last evaluated: 2025-03-17. Review status: criteria provided, single submitter. Criteria: Invitae Variant Classification Sherloc (09022015). Collection method: clinical testing. Allele origin: germline.

Ambry Genetics
Classification: Uncertain significance for Cardiovascular phenotype. Last evaluated: 2019-11-19. Review status: criteria provided, single submitter. Criteria: Ambry Variant Classification Scheme 2023. Collection method: clinical testing. Allele origin: germline.
Comment: The p.V1305A variant (also known as c.3914T>C), located in coding exon 28 of the DMD gene, results from a T to C substitution at nucleotide position 3914. The valine at codon 1305 is replaced by alanine, an amino acid with similar properties. This amino acid position is not well conserved in available vertebrate species, and alanine is the reference amino acid in other vertebrate species. In addition, this alteration is predicted to be tolerated by in silico analysis. Since supporting evidence is limited at this time, the clinical significance of this alteration remains unclear.

NM_004006.3(DMD):c.3914T>C (p.Val1305Ala)

Gene: DMD (dystrophin; minus strand). Cytogenetic location: Xp21.1.
Variant type: single nucleotide variant.
Coding change: c.3914T>C on transcript NM_004006.3 (MANE Select); coding-DNA position 3914, T replaced by C.
Protein change: p.Val1305Ala; replaces valine 1305 with alanine.
Molecular consequence: missense variant.
Genome position (GRCh38, 1-based): chrX:32,441,187, A>G on the plus strand (T>C on the coding strand, the complement: DMD is on the minus strand). VCF-style: chrX-32441187-A-G. GRCh37 (hg19) VCF-style: chrX-32459304-A-G.
Other names: c.3890T>C, p.Val1297Ala (NM_000109.4); c.3902T>C, p.Val1301Ala (NM_004009.3); c.3545T>C, p.Val1182Ala (NM_004010.3); short protein forms V1305A, V1182A, V1297A, V1301A.
Identifiers: ClinVar variation 1736134 (VCV001736134.5), dbSNP rs756766474, ClinGen allele CA10379172.